The following is an entry in ClinVar:

NM_004637.6(RAB7A):c.54-334A>G

Gene: RAB7A (RAB7A, member RAS oncogene family; plus strand). Cytogenetic location: 3q21.3.
Variant type: single nucleotide variant.
Coding change: c.54-334A>G on transcript NM_004637.6 (MANE Select); 334 bases into the intron before coding-DNA position 54, A replaced by G.
Molecular consequence: intron variant.
Genome position (GRCh38, 1-based): chr3:128,797,609, A>G. VCF-style: chr3-128797609-A-G. GRCh37 (hg19) VCF-style: chr3-128516452-A-G.
Identifiers: ClinVar variation 673461 (VCV000673461.1), dbSNP rs9818003, ClinGen allele CA82627188.

ClinVar aggregate classification (germline): Benign (1 of 4 stars; one submission).

Allele frequency attached by ClinVar (database versions not stated): gnomAD 0.05386 and 0.05720; TOPMed 0.05985; 1000 Genomes Project 0.06330; 1000 Genomes Project 30x 0.06683.
gnomAD v4.1: 8,136 of 152,292 alleles (5.3%); highest among the groups gnomAD compares: African/African-American, 17%; 634 homozygotes.

Submission:

GeneDx
Classification: Benign. Last evaluated: 2018-06-16. Review status: criteria provided, single submitter. Criteria: GeneDx Variant Classification (06012015). Collection method: clinical testing. Allele origin: germline. Affected: yes.
Comment: This variant is considered likely benign or benign based on one or more of the following criteria: it is a conservative change, it occurs at a poorly conserved position in the protein, it is predicted to be benign by multiple in silico algorithms, and/or has population frequency not consistent with disease.